The following is an entry in ClinVar:

NM_001039.4(SCNN1G):c.1575G>A (p.Glu525=)

Gene: SCNN1G (sodium channel epithelial 1 subunit gamma; plus strand). Cytogenetic location: 16p12.2.
Variant type: single nucleotide variant.
Coding change: c.1575G>A on transcript NM_001039.4 (MANE Select); coding-DNA position 1575, G replaced by A.
Protein change: p.Glu525=; no amino-acid change (glutamic acid 525 retained).
Molecular consequence: synonymous variant.
Genome position (GRCh38, 1-based): chr16:23,215,094, G>A. VCF-style: chr16-23215094-G-A. GRCh37 (hg19) VCF-style: chr16-23226415-G-A.
Identifiers: ClinVar variation 286685 (VCV000286685.25), dbSNP rs72647541, ClinGen allele CA7959940.
Genomic context (GRCh38, chr16:23,215,094, plus strand): 5'-GAGGCCAACTTGGGGGGAGGTTCCTCTTGATGGTGTGGCTTGGCCTGTCTTGCAGATTGA[G>A]ATGCTTCTGTCCAACTTCGGTGGCCAGCTGGGCCTGTGGATGAGCTGCTCTGTTGTCTGC-3'
Protein context (NP_001030.2, residues 515-535): SIMESPANSI[Glu525=]MLLSNFGGQL

ClinVar aggregate classification (germline): Conflicting classifications of pathogenicity. Review status: criteria provided, conflicting classifications (1 of 4 stars). 7 submissions from 6 submitters: Uncertain significance (2); Benign (1); Likely benign (3). 1 of the submissions does not count toward it. Last evaluated 2025-04-24.

Conditions:
SCNN1G-related disorder. Also called: SCNN1G-related condition; SCNN1G-Related Disorders.
Liddle syndrome 2. Identifiers: MedGen C4748251, MONDO:0020854, OMIM 618114.
Pseudohypoaldosteronism, type IB1, autosomal recessive. Also called: Autosomal recessive pseudohypoaldosteronism type 1; Pseudohypoaldosteronism, Type I, Recessive; Pseudohypoaldosteronism, Type I, Autosomal Recessive; PHA I, AUTOSOMAL RECESSIVE. Identifiers: Orphanet 171876, Orphanet 756, MedGen C5774176, MONDO:0009917, OMIM 264350.

Allele frequency attached by ClinVar (database versions not stated): 1000 Genomes Project 30x 0.00016; 1000 Genomes Project 0.00020; ExAC 0.00060; gnomAD exomes 0.00063 and 0.00106; TOPMed 0.00066; gnomAD 0.00079 and 0.00082; ESP Exome Variant Server 0.00123.
gnomAD v4.1: 1,633 of 1,614,110 alleles (0.1%); highest among the groups gnomAD compares: Non-Finnish European, 0.13%; 1 homozygote.

Submissions (7):

Labcorp Genetics (formerly Invitae), Labcorp
Classification: Likely benign. Last evaluated: 2025-04-24. Review status: criteria provided, single submitter. Criteria: Invitae Variant Classification Sherloc (09022015). Collection method: clinical testing. Allele origin: germline.

Blueprint Genetics
Classification: Likely benign. Last evaluated: 2024-10-31. Review status: criteria provided, single submitter. Criteria: ACMG Guidelines, 2015. Collection method: clinical testing. Allele origin: germline.

Illumina Laboratory Services, Illumina
Classification: Uncertain significance for Pseudohypoaldosteronism, type IB1, autosomal recessive. Last evaluated: 2018-01-13. Review status: criteria provided, single submitter. Criteria: ICSL Variant Classification Criteria 13 December 2019. Collection method: clinical testing. Allele origin: germline.

Illumina Laboratory Services, Illumina
Classification: Benign for Liddle syndrome 2. Last evaluated: 2018-01-13. Review status: criteria provided, single submitter. Criteria: ICSL Variant Classification Criteria 13 December 2019. Collection method: clinical testing. Allele origin: germline.
Comment: This variant was observed in the ICSL laboratory as part of a predisposition screen in an ostensibly healthy population. It had not been previously curated by ICSL or reported in the Human Gene Mutation Database (HGMD: prior to June 1st, 2018), and was therefore a candidate for classification through an automated scoring system. Utilizing variant allele frequency, disease prevalence and penetrance estimates, and inheritance mode, an automated score was calculated to assess if this variant is too frequent to cause the disease. Based on the score and internal cut-off values, a variant classified as benign is not then subjected to further curation. The score for this variant resulted in a classification of benign for this disease.

Laboratory for Molecular Medicine, Mass General Brigham Personalized Medicine
Classification: Likely benign. Last evaluated: 2016-07-28. Review status: criteria provided, single submitter. Criteria: LMM Criteria. Collection method: clinical testing. Allele origin: germline. Observed: 1 variant allele.
Comment: p.Glu525Glu in exon 13 of SCNN1G: This variant is not expected to have clinical significance because it does not alter an amino acid residue and is not located within the splice consensus sequence. It has been identified in 0.2% (10/6482) o f Finnish chromosomes by the Exome Aggregation Consortium (ExAC; dbSNP rs72647541).

Eurofins Ntd Llc (ga)
Classification: Uncertain significance. Last evaluated: 2016-03-24. Review status: criteria provided, single submitter. Criteria: EGL Classification Definitions 2015. Collection method: clinical testing. Allele origin: germline. Observed: 1 variant allele, 1 heterozygote.

PreventionGenetics, part of Exact Sciences
Classification: Likely benign for SCNN1G-related condition. Last evaluated: 2019-09-19. Review status: no assertion criteria provided. Collection method: clinical testing. Allele origin: germline. Not counted in ClinVar's aggregate classification.
Comment: This variant is classified as likely benign based on ACMG/AMP sequence variant interpretation guidelines (Richards et al. 2015 PMID: 25741868, with internal and published modifications).